The following is an entry in ClinVar:

NM_000533.5(PLP1):c.434G>A (p.Trp145Ter)

Genes: RAB9B (RAB9B, member RAS oncogene family; minus strand), PLP1 (proteolipid protein 1; plus strand). Cytogenetic location: Xq22.2.
Variant type: single nucleotide variant.
Coding change: c.434G>A on transcript NM_000533.5 (MANE Select); coding-DNA position 434, G replaced by A.
Protein change: p.Trp145Ter; replaces tryptophan 145 with a stop codon.
Molecular consequence: nonsense. On other transcripts: intron variant (1).
Genome position (GRCh38, 1-based): chrX:103,786,707, G>A. VCF-style: chrX-103786707-G-A. GRCh37 (hg19) VCF-style: chrX-103041636-G-A.
Other names: W144*; c.434G>A, p.Trp145Ter (NM_001128834.3); c.269G>A, p.Trp90Ter (NM_001305004.1); c.348+86G>A (NM_199478.3); short protein forms W145*, W90*.
Identifiers: ClinVar variation 11090 (VCV000011090.11), dbSNP rs132630292, ClinGen allele CA121354.

ClinVar aggregate classification (germline): Pathogenic/Likely pathogenic. Review status: criteria provided, multiple submitters, no conflicts (2 of 4 stars). 3 submissions from 3 submitters: Pathogenic (1); Likely pathogenic (1). 1 of the submissions does not count toward it. Last evaluated 2021-11-29.

Conditions:
Hereditary spastic paraplegia 2 (SPG2). Also called: SPASTIC PARAPLEGIA 2, X-LINKED; Spastic Paraplegia 2 (SPG2). Identifiers: Orphanet 99015, MedGen C0751604, MONDO:0010733, OMIM 312920.
Pelizaeus-Merzbacher disease, atypical. Identifiers: MedGen C0751915.
Pelizaeus-Merzbacher disease. Also called: Pelizeaus-Merzbacher spectrum disorder; LEUKODYSTROPHY, HYPOMYELINATING, 1; Sudanophilic leukodystrophy; Pelizaeus-Merzbacher spectrum disorder; Pelizaeus-Merzbacher Disease (PMD). Identifiers: Orphanet 702, MedGen C0205711, MONDO:0010714, OMIM 312080, HP:0003269.

Submissions (3):

Molecular Diagnostics Lab, Nemours Children's Health, Delaware
Classification: Likely pathogenic for Pelizaeus-Merzbacher disease. Last evaluated: 2021-11-29. Review status: criteria provided, single submitter. Criteria: ACMG Guidelines, 2015. Collection method: clinical testing. Allele origin: unknown. Inheritance: X-linked inheritance. Affected: yes. Observed: 1 hemizygote.
Comment: This nonsense variant (c.434G>A, p.Trp145*) has not been observed in population databases (gnomAD). It has been described in the literature, and found in twin affected males (PMID 7488049, PMID 9056547). No functional studies have been published.

Labcorp Genetics (formerly Invitae), Labcorp
Classification: Pathogenic for Hereditary spastic paraplegia 2. Last evaluated: 2018-09-18. Review status: criteria provided, single submitter. Criteria: Invitae Variant Classification Sherloc (09022015). Collection method: clinical testing. Allele origin: germline.
Comment: For these reasons, this variant has been classified as Pathogenic. Loss-of-function variants in PLP1 are known to be pathogenic (PMID: 18470932). This variant has been observed to be de novo in twin siblings affected with PLP1-related disease (PMID: 7488049). This variant has also been observed to segregate with PLP1-related disease in a family (PMID: 9056547). This variant is also known as p.Trp144* in the literature. ClinVar contains an entry for this variant (Variation ID: 11090). This variant is not present in population databases (ExAC no frequency). This sequence change creates a premature translational stop signal (p.Trp145*) in the PLP1 gene. It is expected to result in an absent or disrupted protein product.

OMIM
Classification: Pathogenic for PELIZAEUS-MERZBACHER DISEASE, ATYPICAL. Last evaluated: 1997-03-17. Review status: no assertion criteria provided. Collection method: literature only. Allele origin: germline. Not counted in ClinVar's aggregate classification.

Literature cited by the submitters: PubMed 7488049 (cited by Molecular Diagnostics Lab, Nemours Children's Health, Delaware and Labcorp Genetics (formerly Invitae), Labcorp); PubMed 9056547 (cited by 3 submitters); PubMed 18470932 (cited by Labcorp Genetics (formerly Invitae), Labcorp).